The following is an entry in ClinVar:

ClinVar aggregate classification (germline): Uncertain significance (0 of 4 stars; one submission).

Submission:

Laboratory for Molecular Medicine, Mass General Brigham Personalized Medicine
Classification: Uncertain significance. Last evaluated: 2014-04-04. Review status: no assertion criteria provided. Collection method: clinical testing. Allele origin: germline. Observed: 2 variant alleles.
Comment: proposed classification - variant undergoing re-assessment, contact laboratory

NM_000257.4(MYH7):c.1204C>A (p.Pro402Thr)

Gene: MYH7 (myosin heavy chain 7; minus strand). Cytogenetic location: 14q11.2.
Variant type: single nucleotide variant.
Coding change: c.1204C>A on transcript NM_000257.4 (MANE Select); coding-DNA position 1204, C replaced by A.
Protein change: p.Pro402Thr; replaces proline 402 with threonine.
Molecular consequence: missense variant.
Genome position (GRCh38, 1-based): chr14:23,429,282, G>T on the plus strand (C>A on the coding strand, the complement: MYH7 is on the minus strand). VCF-style: chr14-23429282-G-T. GRCh37 (hg19) VCF-style: chr14-23898491-G-T.
Other names: short protein forms P402T.
Identifiers: ClinVar variation 42830 (VCV000042830.5), dbSNP rs397516094, ClinGen allele CA010352.